The following is an entry in ClinVar:

NM_001122659.3(EDNRB):c.99T>C (p.Pro33=)

Gene: EDNRB (endothelin receptor type B; minus strand). Cytogenetic location: 13q22.3.
Variant type: single nucleotide variant.
Coding change: c.99T>C on transcript NM_001122659.3 (MANE Select); coding-DNA position 99, T replaced by C.
Protein change: p.Pro33=; no amino-acid change (proline 33 retained).
Molecular consequence: synonymous variant.
Genome position (GRCh38, 1-based): chr13:77,918,475, A>G on the plus strand (T>C on the coding strand, the complement: EDNRB is on the minus strand). VCF-style: chr13-77918475-A-G. GRCh37 (hg19) VCF-style: chr13-78492610-A-G.
Other names: c.99T>C, p.Pro33= (NM_000115.5, NM_003991.4); c.369T>C, p.Pro123= (NM_001201397.2); c.99T>C (NM_000115.4).
Identifiers: ClinVar variation 884203 (VCV000884203.10), dbSNP rs1050929, ClinGen allele CA7012396.

ClinVar aggregate classification (germline): Conflicting classifications of pathogenicity. Review status: criteria provided, conflicting classifications (1 of 4 stars). 3 submissions from 3 submitters: Uncertain significance (1); Likely benign (1). 1 of the submissions does not count toward it. Last evaluated 2022-06-10.

Conditions:
EDNRB-related disorder. Also called: EDNRB-related condition; EDNRB-related disorders.
Hirschsprung disease, susceptibility to, 2. Identifiers: Orphanet 388, MedGen C1838564, MONDO:0010833, OMIM 600155.

Allele frequency attached by ClinVar (database versions not stated): ExAC 0.00001; TOPMed 0.00002; gnomAD 0.00004; gnomAD exomes 0.00001 and 0.00004.
gnomAD v4.1: 55 of 1,562,186 alleles (0.0035%); highest among the groups gnomAD compares: Non-Finnish European, 0.0047%; 1 homozygote.

Submissions (3):

Labcorp Genetics (formerly Invitae), Labcorp
Classification: Likely benign. Last evaluated: 2022-06-10. Review status: criteria provided, single submitter. Criteria: Invitae Variant Classification Sherloc (09022015). Collection method: clinical testing. Allele origin: germline.

Illumina Laboratory Services, Illumina
Classification: Uncertain significance for Hirschsprung disease, susceptibility to, 2. Last evaluated: 2018-01-13. Review status: criteria provided, single submitter. Criteria: ICSL Variant Classification Criteria 13 December 2019. Collection method: clinical testing. Allele origin: germline.

PreventionGenetics, part of Exact Sciences
Classification: Likely benign for EDNRB-related condition. Last evaluated: 2020-01-07. Review status: no assertion criteria provided. Collection method: clinical testing. Allele origin: germline. Not counted in ClinVar's aggregate classification.
Comment: This variant is classified as likely benign based on ACMG/AMP sequence variant interpretation guidelines (Richards et al. 2015 PMID: 25741868, with internal and published modifications).